The following is an entry in ClinVar:

ClinVar aggregate classification (germline): Uncertain significance (1 of 4 stars; one submission).

gnomAD v4.1: 1 of 1,611,826 alleles (0.000062%); highest among the groups gnomAD compares: African/African-American, 0.0013%; no homozygotes.

Submission:

Labcorp Genetics (formerly Invitae), Labcorp
Classification: Uncertain significance. Last evaluated: 2025-09-08. Review status: criteria provided, single submitter. Criteria: Invitae Variant Classification Sherloc (09022015). Collection method: clinical testing. Allele origin: germline.
Comment: This sequence change replaces alanine, which is neutral and non-polar, with threonine, which is neutral and polar, at codon 422 of the EFL1 protein (p.Ala422Thr). This variant is not present in population databases (gnomAD no frequency). This variant has not been reported in the literature in individuals affected with EFL1-related conditions. Invitae Evidence Modeling of protein sequence and biophysical properties (such as structural, functional, and spatial information, amino acid conservation, physicochemical variation, residue mobility, and thermodynamic stability) indicates that this missense variant is not expected to disrupt EFL1 protein function with a negative predictive value of 80%. In summary, the available evidence is currently insufficient to determine the role of this variant in disease. Therefore, it has been classified as a Variant of Uncertain Significance.

NM_024580.6(EFL1):c.1264G>A (p.Ala422Thr)

Gene: EFL1 (elongation factor like GTPase 1; minus strand). Cytogenetic location: 15q25.2.
Variant type: single nucleotide variant.
Coding change: c.1264G>A on transcript NM_024580.6 (MANE Select); coding-DNA position 1264, G replaced by A.
Protein change: p.Ala422Thr; replaces alanine 422 with threonine.
Molecular consequence: missense variant. On other transcripts: non-coding transcript variant (1).
Genome position (GRCh38, 1-based): chr15:82,225,193, C>T on the plus strand (G>A on the coding strand, the complement: EFL1 is on the minus strand). VCF-style: chr15-82225193-C-T. GRCh37 (hg19) VCF-style: chr15-82517534-C-T.
Other names: c.1111G>A, p.Ala371Thr (NM_001040610.3); c.475G>A, p.Ala159Thr (NM_001322844.2); c.1264G>A, p.Ala422Thr (NM_001322845.2); short protein forms A159T, A371T, A422T.
Identifiers: ClinVar variation 4774569 (VCV004774569.1).